The following is an entry in ClinVar:

ClinVar aggregate classification (germline): Uncertain significance (1 of 4 stars; one submission).

Conditions:
Mowat-Wilson syndrome (MOWS). Also called: Classic Mowat-Wilson Syndrome. Identifiers: Orphanet 2152, MedGen C1856113, MONDO:0009341, OMIM 235730.

Allele frequency attached by ClinVar (database versions not stated): gnomAD exomes below 0.00001.
gnomAD v4.1: 1 of 1,614,178 alleles (0.000062%); highest among the groups gnomAD compares: Middle Eastern, 0.017%; no homozygotes.

Submission:

MVZ Medizinische Genetik Mainz
Classification: Uncertain significance for Mowat-Wilson syndrome. Last evaluated: 2023-12-06. Review status: criteria provided, single submitter. Criteria: UK Practice Guidelines For Variant Classification V4 01 2020. Collection method: clinical testing. Allele origin: germline. Inheritance: Autosomal dominant inheritance. Affected: yes. Observed: 1 variant allele.
Comment: ACMG Criteria: PM2_SUP,PP3_mod,BP2

NM_014795.4(ZEB2):c.1985A>G (p.Tyr662Cys)

Gene: ZEB2 (zinc finger E-box binding homeobox 2; minus strand). Cytogenetic location: 2q22.3.
Variant type: single nucleotide variant.
Coding change: c.1985A>G on transcript NM_014795.4 (MANE Select); coding-DNA position 1985, A replaced by G.
Protein change: p.Tyr662Cys; replaces tyrosine 662 with cysteine.
Molecular consequence: missense variant.
Genome position (GRCh38, 1-based): chr2:144,399,202, T>C on the plus strand (A>G on the coding strand, the complement: ZEB2 is on the minus strand). VCF-style: chr2-144399202-T-C. GRCh37 (hg19) VCF-style: chr2-145156769-T-C.
Other names: c.1913A>G, p.Tyr638Cys (NM_001171653.2); short protein forms Y638C, Y662C.
Identifiers: ClinVar variation 3236057 (VCV003236057.1), dbSNP rs2549106318, ClinGen allele CA348709412.